The following is an entry in ClinVar:

NM_001113491.2(SEPTIN9):c.548C>T (p.Ala183Val)

Gene: SEPTIN9 (septin 9; plus strand). Cytogenetic location: 17q25.3.
Variant type: single nucleotide variant.
Coding change: c.548C>T on transcript NM_001113491.2 (MANE Select); coding-DNA position 548, C replaced by T.
Protein change: p.Ala183Val; replaces alanine 183 with valine.
Molecular consequence: missense variant.
Genome position (GRCh38, 1-based): chr17:77,402,530, C>T. VCF-style: chr17-77402530-C-T. GRCh37 (hg19) VCF-style: chr17-75398612-C-T.
Other names: c.494C>T (NM_006640.4); c.56C>T, p.Ala19Val (NM_001113492.2, NM_001113494.1); c.527C>T, p.Ala176Val (NM_001113493.2); c.491C>T, p.Ala164Val (NM_001293695.2); c.494C>T, p.Ala165Val (NM_006640.5); short protein forms A164V, A176V, A19V, A165V, A183V.
Identifiers: ClinVar variation 2966731 (VCV002966731.4), dbSNP rs749362718, ClinGen allele CA8793240.

ClinVar aggregate classification (germline): Uncertain significance. Review status: criteria provided, multiple submitters, no conflicts (2 of 4 stars). 2 submissions from 2 submitters: Uncertain significance (2). Last evaluated 2023-12-27.

Conditions:
Inborn genetic diseases. Identifiers: MedGen C0950123, MeSH D030342.

Allele frequency attached by ClinVar (database versions not stated): gnomAD 0.00001; TOPMed 0.00001; gnomAD exomes 0.00002; 1000 Genomes Project 30x 0.00016; ExAC 0.00019.
gnomAD v4.1: 53 of 1,606,866 alleles (0.0033%); highest among the groups gnomAD compares: Non-Finnish European, 0.0025%; no homozygotes.

Submissions (2):

Ambry Genetics
Classification: Uncertain significance for Inborn genetic diseases. Last evaluated: 2023-12-27. Review status: criteria provided, single submitter. Criteria: Ambry Variant Classification Scheme 2023. Collection method: clinical testing. Allele origin: germline.

Labcorp Genetics (formerly Invitae), Labcorp
Classification: Uncertain significance. Last evaluated: 2023-11-18. Review status: criteria provided, single submitter. Criteria: Invitae Variant Classification Sherloc (09022015). Collection method: clinical testing. Allele origin: germline.
Comment: This sequence change replaces alanine, which is neutral and non-polar, with valine, which is neutral and non-polar, at codon 165 of the SEPT9 protein (p.Ala165Val). This variant is present in population databases (rs749362718, gnomAD 0.02%). This variant has not been reported in the literature in individuals affected with SEPT9-related conditions. Advanced modeling of protein sequence and biophysical properties (such as structural, functional, and spatial information, amino acid conservation, physicochemical variation, residue mobility, and thermodynamic stability) performed at Invitae indicates that this missense variant is not expected to disrupt SEPT9 protein function with a negative predictive value of 80%. In summary, the available evidence is currently insufficient to determine the role of this variant in disease. Therefore, it has been classified as a Variant of Uncertain Significance.